The following is an entry in ClinVar:

NC_000023.11:g.38269735A>G

Gene: RPGR (retinitis pigmentosa GTPase regulator; minus strand). Cytogenetic location: Xp11.4.
Variant type: single nucleotide variant.
Molecular consequence: missense variant (on NM_000328.3). On other transcripts: non-coding transcript variant (6).
Genome position: GRCh38 VCF-style: chrX-38269735-A-G. GRCh37 (hg19) VCF-style: chrX-38128988-A-G.
Other names: c.2339T>C, p.Ile780Thr (NM_000328.3); c.2336T>C, p.Ile779Thr (NM_001367245.1); c.2153T>C, p.Ile718Thr (NM_001367246.1); c.2006T>C, p.Ile669Thr (NM_001367247.1); c.2036T>C, p.Ile679Thr (NM_001367248.1); c.2003T>C, p.Ile668Thr (NM_001367249.1, NM_001367250.1); c.1820T>C, p.Ile607Thr (NM_001367251.1); short protein forms I668T, I669T, I779T, I607T, I679T, I718T, I780T.
Identifiers: ClinVar variation 2016592 (VCV002016592.4), dbSNP rs2519740070, ClinGen allele CA412721655.

ClinVar aggregate classification (germline): Uncertain significance (1 of 4 stars; one submission).

Conditions:
Primary ciliary dyskinesia. Also called: Ciliary dyskinesia. Identifiers: Orphanet 244, MedGen C0008780, MONDO:0016575, HP:0012265.

Submission:

Labcorp Genetics (formerly Invitae), Labcorp
Classification: Uncertain significance for Primary ciliary dyskinesia. Last evaluated: 2023-11-07. Review status: criteria provided, single submitter. Criteria: Invitae Variant Classification Sherloc (09022015). Collection method: clinical testing. Allele origin: germline.
Comment: This sequence change replaces isoleucine, which is neutral and non-polar, with threonine, which is neutral and polar, at codon 780 of the RPGR protein (p.Ile780Thr). This variant is not present in population databases (gnomAD no frequency). This variant has not been reported in the literature in individuals affected with RPGR-related conditions. ClinVar contains an entry for this variant (Variation ID: 2016592). Advanced modeling of protein sequence and biophysical properties (such as structural, functional, and spatial information, amino acid conservation, physicochemical variation, residue mobility, and thermodynamic stability) performed at Invitae indicates that this missense variant is not expected to disrupt RPGR protein function with a negative predictive value of 95%. In summary, the available evidence is currently insufficient to determine the role of this variant in disease. Therefore, it has been classified as a Variant of Uncertain Significance.